The following is an entry in ClinVar:

NM_001164665.2(KIAA1549):c.2346C>T (p.Ala782=)

Gene: KIAA1549 (KIAA1549; minus strand). Cytogenetic location: 7q34.
Variant type: single nucleotide variant.
Coding change: c.2346C>T on transcript NM_001164665.2 (MANE Select); coding-DNA position 2346, C replaced by T.
Protein change: p.Ala782=; no amino-acid change (alanine 782 retained).
Molecular consequence: synonymous variant.
Genome position (GRCh38, 1-based): chr7:138,917,280, G>A on the plus strand (C>T on the coding strand, the complement: KIAA1549 is on the minus strand). VCF-style: chr7-138917280-G-A. GRCh37 (hg19) VCF-style: chr7-138602026-G-A.
Other names: c.2346C>T, p.Ala782= (NM_020910.3); c.2346C>T (NM_001164665.1).
Identifiers: ClinVar variation 1624992 (VCV001624992.11), dbSNP rs551976861, ClinGen allele CA4506527.

ClinVar aggregate classification (germline): Likely benign. Review status: criteria provided, multiple submitters, no conflicts (2 of 4 stars). 3 submissions from 3 submitters: Likely benign (2). 1 of the submissions does not count toward it. Last evaluated 2025-11-13.

Conditions:
KIAA1549-related disorder. Also called: KIAA1549-related condition.

Allele frequency attached by ClinVar (database versions not stated): gnomAD 0.00001 and 0.00007; gnomAD exomes 0.00011; 1000 Genomes Project 30x 0.00078; 1000 Genomes Project 0.00100.
gnomAD v4.1: 90 of 1,613,794 alleles (0.0056%); highest among the groups gnomAD compares: South Asian, 0.066%; 1 homozygote.

Submissions (3):

Labcorp Genetics (formerly Invitae), Labcorp
Classification: Likely benign. Last evaluated: 2025-11-13. Review status: criteria provided, single submitter. Criteria: Invitae Variant Classification Sherloc (09022015). Collection method: clinical testing. Allele origin: germline.

Blueprint Genetics
Classification: Likely benign. Last evaluated: 2021-12-07. Review status: criteria provided, single submitter. Criteria: ACMG Guidelines, 2015. Collection method: clinical testing. Allele origin: germline.

PreventionGenetics, part of Exact Sciences
Classification: Likely benign for KIAA1549-related condition. Last evaluated: 2019-04-22. Review status: no assertion criteria provided. Collection method: clinical testing. Allele origin: germline. Not counted in ClinVar's aggregate classification.
Comment: This variant is classified as likely benign based on ACMG/AMP sequence variant interpretation guidelines (Richards et al. 2015 PMID: 25741868, with internal and published modifications).